The following is an entry in ClinVar:

ClinVar aggregate classification (germline): Likely benign (1 of 4 stars; one submission).

Conditions:
BBS1-related disorder. Also called: BBS1-related condition.

Submission:

PreventionGenetics, part of Exact Sciences
Classification: Likely benign for BBS1-related condition. Last evaluated: 2024-10-24. Review status: criteria provided, single submitter. Criteria: ACMG Guidelines, 2015. Collection method: clinical testing. Allele origin: germline.
Comment: This variant is classified as likely benign based on ACMG/AMP sequence variant interpretation guidelines (Richards et al. 2015 PMID: 25741868, with internal and published modifications).

NM_024649.5(BBS1):c.831-9A>C

Genes: BBS1 (Bardet-Biedl syndrome 1; plus strand), ZDHHC24 (zDHHC palmitoyltransferase 24; minus strand). Cytogenetic location: 11q13.2.
Variant type: single nucleotide variant.
Coding change: c.831-9A>C on transcript NM_024649.5 (MANE Select); 9 bases into the intron before coding-DNA position 831, A replaced by C.
Molecular consequence: intron variant.
Genome position (GRCh38, 1-based): chr11:66,523,447, A>C. VCF-style: chr11-66523447-A-C. GRCh37 (hg19) VCF-style: chr11-66290918-A-C.
Other names: c.*22-1981T>G (NM_001348571.2).
Identifiers: ClinVar variation 5002457 (VCV005002457.1).